The following is an entry in ClinVar:

ClinVar aggregate classification (germline): Uncertain significance (1 of 4 stars; one submission).

Conditions:
Acute myeloid leukemia (AML). Also called: Leukemia, acute myeloid, somatic; Leukemia, acute myelogenous, somatic; Acute myeloid leukemia, adult; AML adult; Acute non-lymphocytic leukemia; Acute granulocytic leukemia. Identifiers: Orphanet 519, MedGen C0023467, MeSH D015470, MONDO:0018874, OMIM 601626, HP:0004808. Disease mechanism: Constitutively activated FLT3.

Submission:

Labcorp Genetics (formerly Invitae), Labcorp
Classification: Uncertain significance for Acute myeloid leukemia. Last evaluated: 2022-01-26. Review status: criteria provided, single submitter. Criteria: Invitae Variant Classification Sherloc (09022015). Collection method: clinical testing. Allele origin: germline.
Comment: In summary, the available evidence is currently insufficient to determine the role of this variant in disease. Therefore, it has been classified as a Variant of Uncertain Significance. Algorithms developed to predict the effect of missense changes on protein structure and function are either unavailable or do not agree on the potential impact of this missense change (SIFT: "Tolerated"; PolyPhen-2: "Possibly Damaging"; Align-GVGD: "Class C0"). This variant has not been reported in the literature in individuals affected with CEBPA-related conditions. This variant is not present in population databases (gnomAD no frequency). This sequence change replaces alanine, which is neutral and non-polar, with serine, which is neutral and polar, at codon 72 of the CEBPA protein (p.Ala72Ser).

NM_004364.5(CEBPA):c.214G>T (p.Ala72Ser)

Gene: CEBPA (CCAAT enhancer binding protein alpha; minus strand). Cytogenetic location: 19q13.11.
Variant type: single nucleotide variant.
Coding change: c.214G>T on transcript NM_004364.5 (MANE Select); coding-DNA position 214, G replaced by T.
Protein change: p.Ala72Ser; replaces alanine 72 with serine.
Molecular consequence: missense variant. On other transcripts: 5 prime UTR variant (1).
Genome position (GRCh38, 1-based): chr19:33,302,201, C>A on the plus strand (G>T on the coding strand, the complement: CEBPA is on the minus strand). VCF-style: chr19-33302201-C-A. GRCh37 (hg19) VCF-style: chr19-33793107-C-A.
Other names: c.-144G>T (NM_001285829.2); c.319G>T, p.Ala107Ser (NM_001287424.2); c.172G>T, p.Ala58Ser (NM_001287435.2); short protein forms A107S, A58S, A72S.
Identifiers: ClinVar variation 1407033 (VCV001407033.8), dbSNP rs2145263697, ClinGen allele CA405275432.